The following is an entry in ClinVar:

NM_020461.4(TUBGCP6):c.1720G>A (p.Val574Met)

Gene: TUBGCP6 (tubulin gamma complex component 6; minus strand). Cytogenetic location: 22q13.33.
Variant type: single nucleotide variant.
Coding change: c.1720G>A on transcript NM_020461.4 (MANE Select); coding-DNA position 1720, G replaced by A.
Protein change: p.Val574Met; replaces valine 574 with methionine.
Molecular consequence: missense variant.
Genome position (GRCh38, 1-based): chr22:50,226,163, C>T on the plus strand (G>A on the coding strand, the complement: TUBGCP6 is on the minus strand). VCF-style: chr22-50226163-C-T. GRCh37 (hg19) VCF-style: chr22-50664592-C-T.
Other names: short protein forms V574M.
Identifiers: ClinVar variation 841158 (VCV000841158.6), dbSNP rs763691161, ClinGen allele CA10308530.

ClinVar aggregate classification (germline): Uncertain significance (1 of 4 stars; one submission).

Allele frequency attached by ClinVar (database versions not stated): ExAC 0.00002; gnomAD 0.00001; gnomAD exomes 0.00001; TOPMed 0.00002.

Submission:

Labcorp Genetics (formerly Invitae), Labcorp
Classification: Uncertain significance. Last evaluated: 2025-01-13. Review status: criteria provided, single submitter. Criteria: Invitae Variant Classification Sherloc (09022015). Collection method: clinical testing. Allele origin: germline.
Comment: This sequence change replaces valine, which is neutral and non-polar, with methionine, which is neutral and non-polar, at codon 574 of the TUBGCP6 protein (p.Val574Met). This variant is present in population databases (rs763691161, gnomAD 0.008%). This variant has not been reported in the literature in individuals affected with TUBGCP6-related conditions. ClinVar contains an entry for this variant (Variation ID: 841158). An algorithm developed to predict the effect of missense changes on protein structure and function outputs the following: PolyPhen-2: "Benign". The methionine amino acid residue is found in multiple mammalian species, which suggests that this missense change does not adversely affect protein function. In summary, the available evidence is currently insufficient to determine the role of this variant in disease. Therefore, it has been classified as a Variant of Uncertain Significance.